The following is an entry in ClinVar:

ClinVar aggregate classification (germline): Conflicting classifications of pathogenicity. Review status: criteria provided, conflicting classifications (1 of 4 stars). 13 submissions from 10 submitters: Pathogenic (3); Likely pathogenic (1); Uncertain significance (4). 5 of the submissions do not count toward it. Last evaluated 2025-11-10.
ClinVar aggregate classification (somatic clinical impact): Tier I - Strong (1 of 4 stars; one submission).

Conditions:
KIT-related disorder. Also called: KIT-related condition.
Gastrointestinal stromal tumor. Also called: Gastrointestinal stromal tumor, somatic; Gastrointestinal stroma tumor. Identifiers: Orphanet 44890, MedGen C0238198, MeSH D046152, MONDO:0011719, OMIM 606764, HP:0100723.
MASTOCYTOSIS WITH ASSOCIATED HEMATOLOGIC DISORDER, SOMATIC.
MASTOCYTOSIS, SYSTEMIC, SOMATIC.
Cutaneous mastocytosis. Also called: MASTOCYTOSIS, MACULOPAPULAR CUTANEOUS. Identifiers: Orphanet 66646, MedGen C1136033, MONDO:0019023, OMIM 154800, HP:0200151.
MAST CELL LEUKEMIA, SOMATIC.
Dysgerminoma. Identifiers: MedGen C0013377, MONDO:0003002, HP:0100621.
Hereditary cancer-predisposing syndrome. Also called: Hereditary neoplastic syndrome; Tumor predisposition; Neoplastic Syndromes, Hereditary; Hereditary Cancer Syndrome. Identifiers: Orphanet 140162, MedGen C0027672, MeSH D009386, MONDO:0015356.
Germinoma. Also called: Germinoma (disease). Identifiers: MedGen C0206660, MONDO:0002598, HP:0100620.

Allele frequency attached by ClinVar (database versions not stated): gnomAD exomes below 0.00001.
gnomAD v4.1: 3 of 1,612,874 alleles (0.00019%); highest among the groups gnomAD compares: Non-Finnish European, 0.00025%; no homozygotes.

Submissions (14):

Labcorp Genetics (formerly Invitae), Labcorp
Classification: Uncertain significance for Gastrointestinal stromal tumor. Last evaluated: 2025-11-10. Review status: criteria provided, single submitter. Criteria: Invitae Variant Classification Sherloc (09022015). Collection method: clinical testing. Allele origin: germline.
Comment: This sequence change replaces aspartic acid, which is acidic and polar, with valine, which is neutral and non-polar, at codon 816 of the KIT protein (p.Asp816Val). This variant is not present in population databases (gnomAD no frequency). This variant is the most common somatic change in mastocytosis (PMID: 27777718, 26158763). While this variant has been reported in the literature, it has not been reported in the germline of individuals with KIT-related conditions. ClinVar contains an entry for this variant (Variation ID: 13852). An algorithm developed to predict the effect of missense changes on protein structure and function (PolyPhen-2) suggests that this variant is likely to be disruptive. Experimental studies have shown that this variant leads to a gain-of-function of the KIT protein, causing ligand-independent signaling activation as well as oncogenic transformation in vitro (PMID: 27777718, 26158763). In addition, transgenic mice expressing this variant (D816V) show abnormal mast cell proliferation and recapitulate human mastocytosis (PMID: 16352739). However, the clinical significance of the functional impact in the germline is uncertain. In summary, the available evidence is currently insufficient to determine the role of this variant in disease. Therefore, it has been classified as a Variant of Uncertain Significance.

Variantyx, Inc.
Classification: Likely pathogenic for Cutaneous mastocytosis. Last evaluated: 2025-08-22. Review status: criteria provided, single submitter. Criteria: Variantyx Assertion Criteria 2022. Collection method: clinical testing. Allele origin: germline. Inheritance: Autosomal dominant inheritance. Affected: yes.
Comment: This is a nonsynonymous variant in the KIT gene (OMIM: 164920). Pathogenic variants in this gene have been associated with autosomal dominant cutaneous mastocytosis. This variant is the most common somatic alteration reported in adults with acquired mastocytosis (PMID: 33401724). It has been reported in the germline in the heterozygous state in at least 2 unrelated individuals affected with cutaneous mastocytosis (PMID: 7479840, 34671977). Alternate amino acid changes at this position have been previously reported in similarly affected individuals, which suggests that this residue is biologically important (PMID: 10362788) (PM5). Functional studies have shown that this variant alters KIT protein function (PMID: 19893034, 20140688, 21698178, 10362788, 16352739, 35245395) (PS3) and multiple computational algorithms predict a deleterious effect for this variant (REVEL score: 0.89) (PP3). This variant has a 0.0003% maximum allele frequency in non-founder control populations (PM2). Based on the current evidence, this variant is classified as likely pathogenic for autosomal dominant cutaneous mastocytosis.

Ambry Genetics
Classification: Uncertain significance for Hereditary cancer-predisposing syndrome. Last evaluated: 2025-01-30. Review status: criteria provided, single submitter. Criteria: Ambry Variant Classification Scheme 2023. Collection method: clinical testing. Allele origin: germline.
Comment: The p.D816V variant (also known as c.2447A>T), located in coding exon 17 of the KIT gene, results from an A to T substitution at nucleotide position 2447. The aspartic acid at codon 816 is replaced by valine, an amino acid with highly dissimilar properties. This variant is the most common somatic alteration reported in adults with acquired mastocytosis (Arock M et al. Leukemia 2015 Jun;29(6):1223-32; Orfao A et al. Br. J. Haematol. 2007 Jul;138(1):12-30; Nagata H et al. Proc. Natl. Acad. Sci. U.S.A. 1995 Nov;92(23):10560-4; Baird J et al. Curr Hematol Malig Rep 2018 10;13(5):407-416). Functional studies have demonstrated that p.D816V leads to constitutive activation of KIT (Foster R et al. J. Mol. Graph. Model. 2004 Oct;23(2):139-52; Nagata et al). To our knowledge, p.D816V has not yet been identified as a germline alteration and has not been established to confer increased risk of familial gastrointestinal stromal tumors (GIST). This amino acid position is highly conserved in available vertebrate species. In addition, this alteration is predicted to be deleterious by in silico analysis. Based on the available evidence, the clinical significance of this variant remains unclear.

Baylor Genetics
Classification: Uncertain significance for Gastrointestinal stromal tumor. Last evaluated: 2024-03-28. Review status: criteria provided, single submitter. Criteria: ACMG Guidelines, 2015. Collection method: clinical testing. Allele origin: unknown.

Institute for Genomic Medicine (IGM) Clinical Laboratory, Nationwide Children's Hospital
Classification: Tier I - Strong for Germinoma. Assertion type: diagnostic. Clinical significance: supports diagnosis. Last evaluated: 2023-04-19. Review status: criteria provided, single submitter. Criteria: AMP/ASCO/CAP Guidelines, 2017. Collection method: clinical testing. Allele origin: somatic. Affected: yes.
Comment: Variant has Tier I (strong) clinical significance as a diagnostic inclusion criterion in germinoma, based on the following evidence: 1) Documented in one or more cancer databases (e.g., St. Jude Pecan, COSMIC, CIViC, OncoKB). 2) Appears in one or more well-established professional guidelines (e.g., World Health Organization [WHO]; National Comprehensive Cancer Network [NCCN]) as providing diagnostic, prognostic, or therapeutic information. 3) Information in the literature supports potential biologic effect of variant (PMID: 23416972). 4) Diagnostic for a specific tumor type/classification based on well-powered studies with expert-level consensus (Evidence Level B; PMIDs: 24452629, 24896186, 27391150).

Blueprint Genetics
Classification: Pathogenic for KIT-related disorders. Last evaluated: 2023-01-30. Review status: criteria provided, single submitter. Criteria: ACMG Guidelines, 2015. Collection method: clinical testing. Allele origin: germline. Affected: yes. Observed: 3 variant alleles.

Laboratorio de Genetica e Diagnostico Molecular, Hospital Israelita Albert Einstein
Classification: Uncertain significance for Cutaneous mastocytosis. Last evaluated: 2021-08-31. Review status: criteria provided, single submitter. Criteria: ACMG Guidelines, 2015. Collection method: clinical testing. Allele origin: germline. Affected: yes.
Comment: ACMG classification criteria: PS3 supporting, PM2 moderate, PP3 supporting

Clinical Genetics and Genomics, Karolinska University Hospital
Classification: Pathogenic. Last evaluated: 2014-11-24. Review status: criteria provided, single submitter. Criteria: ACMG Guidelines, 2015. Collection method: clinical testing. Allele origin: germline. Affected: yes. Observed: 2 variant alleles.

Neuberg Centre For Genomic Medicine, NCGM
Classification: Pathogenic for Cutaneous mastocytosis. Review status: criteria provided, single submitter. Criteria: ACMG Guidelines, 2015. Collection method: clinical testing. Allele origin: germline. Inheritance: Autosomal dominant inheritance. Affected: yes.
Comment: The missense c.2447A>T p.Asp816Val variant in KIT gene has been reported repviously as the most common somatic variant causing systemic mastocytosis Ke et al. 2016; Nedoszytko et al. 2021. Experimental studies show that this variant leads to an ligand-independent activation and it gains extra activity via different signaling pathways from that of wild-type KIT Ke et al. 2016. The p.Asp816Val variant is reported with an allele frequency of 0% i.e. no high-confidence genotypes in the gnomAD exomes database and is novel not in any individuals in 1000 Genomes database. The frequency data for this variant in gnomAD exomes database is considered unreliable, as metrics indicate poor data quality at this position. This variant has been reported to the ClinVar database Uncertain Significance / Likely Pathogenic / Pathogenic. The amino acid change p.Asp816Val in KIT is predicted as conserved by GERP++ and PhyloP across 100 vertebrates. The amino acid Asp at position 816 is changed to a Val changing protein sequence and it might alter its composition and physico-chemical properties. For these reasons, this variant has been classified as Pathogenic.

Donald Williams Parsons Laboratory, Baylor College of Medicine
Classification: other for DYSGERMINOMA. Last evaluated: 2016-05-01. Review status: no assertion criteria provided. Collection method: clinical testing. Allele origin: somatic. Inheritance: Somatic mutation. Affected: yes. Study: CSER-BASIC3. Not counted in ClinVar's aggregate classification.

OMIM
Classification: Pathogenic for MAST CELL LEUKEMIA, SOMATIC. Last evaluated: 2001-08-15. Review status: no assertion criteria provided. Collection method: literature only. Allele origin: somatic. Not counted in ClinVar's aggregate classification.

OMIM
Classification: Pathogenic for MASTOCYTOSIS WITH ASSOCIATED HEMATOLOGIC DISORDER, SOMATIC. Last evaluated: 2001-08-15. Review status: no assertion criteria provided. Collection method: literature only. Allele origin: somatic. Not counted in ClinVar's aggregate classification.

OMIM
Classification: Pathogenic for MASTOCYTOSIS, SYSTEMIC, SOMATIC. Last evaluated: 2001-08-15. Review status: no assertion criteria provided. Collection method: literature only. Allele origin: somatic. Not counted in ClinVar's aggregate classification.

OMIM
Classification: Pathogenic for MASTOCYTOSIS, CUTANEOUS. Last evaluated: 2001-08-15. Review status: no assertion criteria provided. Collection method: literature only. Allele origin: unknown. Not counted in ClinVar's aggregate classification.

Literature cited by the submitters: PubMed 27777718 (cited by Labcorp Genetics (formerly Invitae), Labcorp); PubMed 26158763 (cited by Labcorp Genetics (formerly Invitae), Labcorp); PubMed 16352739 (cited by Labcorp Genetics (formerly Invitae), Labcorp and Variantyx, Inc.); PubMed 10362788 (cited by Variantyx, Inc.); PubMed 19893034 (cited by Variantyx, Inc.); PubMed 20140688 (cited by Variantyx, Inc.); PubMed 21698178 (cited by Variantyx, Inc.); PubMed 35245395 (cited by Variantyx, Inc.); PubMed 23416972 (cited by Institute for Genomic Medicine (IGM) Clinical Laboratory, Nationwide Children's Hospital); PubMed 24452629 (cited by Institute for Genomic Medicine (IGM) Clinical Laboratory, Nationwide Children's Hospital); PubMed 24896186 (cited by Institute for Genomic Medicine (IGM) Clinical Laboratory, Nationwide Children's Hospital); PubMed 27391150 (cited by Institute for Genomic Medicine (IGM) Clinical Laboratory, Nationwide Children's Hospital); PubMed 26822237 (cited by Donald Williams Parsons Laboratory, Baylor College of Medicine); PubMed 7691885 (cited by OMIM); PubMed 7479840 (cited by OMIM); PubMed 9990072 (cited by OMIM); PubMed 9827716 (cited by OMIM); PubMed 8589724 (cited by OMIM); PubMed 11380399 (cited by OMIM); PubMed 11493470 (cited by OMIM); PubMed 19262599 (cited by OMIM); PubMed 19865100 (cited by OMIM); PubMed 29910466 (cited by OMIM).

NM_000222.3(KIT):c.2447A>T (p.Asp816Val)

Gene: KIT (KIT proto-oncogene, receptor tyrosine kinase; plus strand). Cytogenetic location: 4q12.
Variant type: single nucleotide variant.
Coding change: c.2447A>T on transcript NM_000222.3 (MANE Select); coding-DNA position 2447, A replaced by T.
Protein change: p.Asp816Val; replaces aspartic acid 816 with valine.
Molecular consequence: missense variant.
Genome position (GRCh38, 1-based): chr4:54,733,155, A>T. VCF-style: chr4-54733155-A-T. GRCh37 (hg19) VCF-style: chr4-55599321-A-T.
Other names: c.2435A>T, p.Asp812Val (NM_001093772.2, NM_001385292.1); c.2450A>T, p.Asp817Val (NM_001385284.1); c.2444A>T, p.Asp815Val (NM_001385285.1); c.2432A>T, p.Asp811Val (NM_001385286.1); c.2438A>T, p.Asp813Val (NM_001385288.1); c.2447A>T, p.Asp816Val (NM_001385290.1); short protein forms D816V, D812V, D811V, D813V, D815V, D817V.
Identifiers: ClinVar variation 13852 (VCV000013852.55), dbSNP rs121913507, ClinGen allele CA123513.
Genomic context (GRCh38, chr4:54,733,155, plus strand): 5'-GAAATATCCTCCTTACTCATGGTCGGATCACAAAGATTTGTGATTTTGGTCTAGCCAGAG[A>T]CATCAAGAATGATTCTAATTATGTGGTTAAAGGAAACGTGAGTACCCATTCTCTGCTTGA-3'
Protein context (NP_000213.1, residues 806-826): TKICDFGLAR[Asp816Val]IKNDSNYVVK